The following is an entry in ClinVar:

NM_000080.4(CHRNE):c.46+4C>T

Genes: C17orf107 (chromosome 17 open reading frame 107; plus strand), CHRNE (cholinergic receptor nicotinic epsilon subunit; minus strand). Cytogenetic location: 17p13.2.
Variant type: single nucleotide variant.
Coding change: c.46+4C>T on transcript NM_000080.4 (MANE Select); 4 bases into the intron after coding-DNA position 46, C replaced by T.
Molecular consequence: intron variant.
Genome position (GRCh38, 1-based): chr17:4,903,014, G>A on the plus strand (C>T on the coding strand, the complement: CHRNE is on the minus strand). VCF-style: chr17-4903014-G-A. GRCh37 (hg19) VCF-style: chr17-4806309-G-A.
Identifiers: ClinVar variation 2098313 (VCV002098313.4), dbSNP rs760244900, ClinGen allele CA8314635.

ClinVar aggregate classification (germline): Uncertain significance (1 of 4 stars; one submission).

Conditions:
Congenital myasthenic syndrome 4A. Also called: CONGENITAL MYASTHENIC SYNDROME TYPE Ia1; MYASTHENIC SYNDROME, CONGENITAL, 4A, SLOW-CHANNEL, AUTOSOMAL RECESSIVE; Myasthenic syndrome, congenital, 4a, slow-channel. Identifiers: Orphanet 590, MedGen C4225413, MONDO:0011600, OMIM 605809.

Allele frequency attached by ClinVar (database versions not stated): gnomAD 0.00003; ExAC 0.00004; TOPMed 0.00006.
gnomAD v4.1: 41 of 1,613,868 alleles (0.0025%); highest among the groups gnomAD compares: Admixed American, 0.0067%; no homozygotes.

Submission:

Labcorp Genetics (formerly Invitae), Labcorp
Classification: Uncertain significance for Congenital myasthenic syndrome 4A. Last evaluated: 2026-01-06. Review status: criteria provided, single submitter. Criteria: Invitae Variant Classification Sherloc (09022015). Collection method: clinical testing. Allele origin: germline.
Comment: This sequence change falls in intron 1 of the CHRNE gene. It does not directly change the encoded amino acid sequence of the CHRNE protein. It affects a nucleotide within the consensus splice site. This variant is present in population databases (rs760244900, gnomAD 0.006%). This variant has not been reported in the literature in individuals affected with CHRNE-related conditions. ClinVar contains an entry for this variant (Variation ID: 2098313). Variants that disrupt the consensus splice site are a relatively common cause of aberrant splicing (PMID: 17576681, 9536098). Algorithms developed to predict the effect of sequence changes on RNA splicing suggest that this variant is not likely to affect RNA splicing. In summary, the available evidence is currently insufficient to determine the role of this variant in disease. Therefore, it has been classified as a Variant of Uncertain Significance.

Literature cited by the submitters: PubMed 17576681; PubMed 9536098.